The following is an entry in ClinVar:

NM_001244008.2(KIF1A):c.876C>T (p.Pro292=)

Gene: KIF1A (kinesin family member 1A; minus strand). Cytogenetic location: 2q37.3.
Variant type: single nucleotide variant.
Coding change: c.876C>T on transcript NM_001244008.2 (MANE Select); coding-DNA position 876, C replaced by T.
Protein change: p.Pro292=; no amino-acid change (proline 292 retained).
Molecular consequence: synonymous variant.
Genome position (GRCh38, 1-based): chr2:240,782,596, G>A on the plus strand (C>T on the coding strand, the complement: KIF1A is on the minus strand). VCF-style: chr2-240782596-G-A. GRCh37 (hg19) VCF-style: chr2-241722013-G-A.
Other names: c.876C>T, p.Pro292= (NM_001320705.2, NM_001330289.2, NM_001330290.2 and 20 more transcripts).
Identifiers: ClinVar variation 532903 (VCV000532903.14), dbSNP rs902561000, ClinGen allele CA68137595.

ClinVar aggregate classification (germline): Likely benign. Review status: criteria provided, multiple submitters, no conflicts (2 of 4 stars). 3 submissions from 3 submitters: Likely benign (3). Last evaluated 2025-09-03.

Conditions:
Neuropathy, hereditary sensory, type 2C. Also called: KIF1A-Related HSAN2 (HSAN2C); Hereditary sensory and autonomic neuropathy type IIC. Identifiers: Orphanet 970, MedGen C3280168, MONDO:0013634, OMIM 614213.
Intellectual disability, autosomal dominant 9 (NESCAVS). Also called: NESCAV SYNDROME; KIF1A-Related Neurodevelopmental Disorder. Identifiers: Orphanet 662367, MedGen C5393830, MONDO:0013656, OMIM 614255.
Hereditary spastic paraplegia 30. Identifiers: Orphanet 101010, MedGen C5235139, MONDO:0012476.
Inborn genetic diseases. Identifiers: MedGen C0950123, MeSH D030342.

Allele frequency attached by ClinVar (database versions not stated): gnomAD exomes 0.00002; TOPMed 0.00002; gnomAD 0.00003 and 0.00001.
gnomAD v4.1: 17 of 1,552,576 alleles (0.0011%); highest among the groups gnomAD compares: East Asian, 0.024%; 1 homozygote.

Submissions (3):

Labcorp Genetics (formerly Invitae), Labcorp
Classification: Likely benign for Hereditary spastic paraplegia 30; Neuropathy, hereditary sensory, type 2C; Intellectual disability, autosomal dominant 9. Last evaluated: 2025-09-03. Review status: criteria provided, single submitter. Criteria: Invitae Variant Classification Sherloc (09022015). Collection method: clinical testing. Allele origin: germline.

Ambry Genetics
Classification: Likely benign for Inborn genetic diseases. Last evaluated: 2019-07-11. Review status: criteria provided, single submitter. Criteria: Ambry Variant Classification Scheme 2023. Collection method: clinical testing. Allele origin: germline.

GeneDx
Classification: Likely benign. Last evaluated: 2018-04-19. Review status: criteria provided, single submitter. Criteria: GeneDx Variant Classification (06012015). Collection method: clinical testing. Allele origin: germline. Affected: yes.
Comment: This variant is considered likely benign or benign based on one or more of the following criteria: it is a conservative change, it occurs at a poorly conserved position in the protein, it is predicted to be benign by multiple in silico algorithms, and/or has population frequency not consistent with disease.